The following is an entry in ClinVar:

ClinVar aggregate classification (germline): Uncertain significance (1 of 4 stars; one submission).

Conditions:
Hereditary cancer-predisposing syndrome. Also called: Tumor predisposition; Hereditary Cancer Syndrome; Hereditary neoplastic syndrome; Neoplastic Syndromes, Hereditary. Identifiers: Orphanet 140162, MedGen C0027672, MeSH D009386, MONDO:0015356.

Allele frequency attached by ClinVar (database versions not stated): gnomAD exomes below 0.00001.
gnomAD v4.1: 1 of 1,614,184 alleles (0.000062%); highest among the groups gnomAD compares: Non-Finnish European, 0.000085%; no homozygotes.

Submissions (2):

Ambry Genetics
Classification: Uncertain significance for Hereditary cancer-predisposing syndrome. Last evaluated: 2020-02-19. Review status: criteria provided, single submitter. Criteria: Ambry Variant Classification Scheme 2023. Collection method: clinical testing. Allele origin: germline.
Comment: The p.V1810L variant (also known as c.5428G>C), located in coding exon 21 of the BRCA1 gene, results from a G to C substitution at nucleotide position 5428. The valine at codon 1810 is replaced by leucine, an amino acid with highly similar properties. This amino acid position is not well conserved in available vertebrate species. In addition, this alteration is predicted to be tolerated by in silico analysis. Since supporting evidence is limited at this time, the clinical significance of this alteration remains unclear.

Brotman Baty Institute, University of Washington
No classification provided (evidence only). Condition: Breast-ovarian cancer, familial 1. Review status: no classification provided. Collection method: in vitro. Allele origin: not applicable. Functional consequence: functionally_normal. Not counted in ClinVar's aggregate classification.
ClinVar note: "not provided" was previously submitted as the classification for the variant. However, the classification appeared to be based only on an observation of functional data so it was converted to no classification on 2025-07-30.

NM_007294.4(BRCA1):c.5428G>C (p.Val1810Leu)

Gene: BRCA1 (BRCA1 DNA repair associated; minus strand). Cytogenetic location: 17q21.31.
Variant type: single nucleotide variant.
Coding change: c.5428G>C on transcript NM_007294.4 (MANE Select); coding-DNA position 5428, G replaced by C.
Protein change: p.Val1810Leu; replaces valine 1810 with leucine.
Molecular consequence: missense variant. On other transcripts: non-coding transcript variant (1).
Genome position (GRCh38, 1-based): chr17:43,047,682, C>G on the plus strand (G>C on the coding strand, the complement: BRCA1 is on the minus strand). VCF-style: chr17-43047682-C-G. GRCh37 (hg19) VCF-style: chr17-41199699-C-G.
Other names: c.5215G>C, p.Val1739Leu (NM_001407899.1, NM_001407900.1, NM_001407902.1 and 12 more transcripts); c.5212G>C, p.Val1738Leu (NM_001407915.1, NM_001407916.1, NM_001407917.1 and 1 more transcripts); c.1906G>C, p.Val636Leu (NM_001408490.1, NM_001408491.1, NM_001408481.1 and 5 more transcripts); c.1903G>C, p.Val635Leu (NM_001408492.1, NM_001408493.1); c.1879G>C, p.Val627Leu (NM_001408494.1); c.1873G>C, p.Val625Leu (NM_001408495.1); c.1855G>C, p.Val619Leu (NM_001408496.1, NM_001408497.1, NM_001408498.1 and 3 more transcripts); c.5494G>C, p.Val1832Leu (NM_001407581.1, NM_001407582.1); and 83 more; short protein forms C681S, V1810L, V1831L, V1763L, V706L, C1737S, C1743S, C1783S.
Identifiers: ClinVar variation 867386 (VCV000867386.5), dbSNP rs2050988927, ClinGen allele CA10590581.